The following is an entry in ClinVar:

NM_000138.5(FBN1):c.7879G>A (p.Gly2627Arg)

Gene: FBN1 (fibrillin 1; minus strand). Cytogenetic location: 15q21.1.
Variant type: single nucleotide variant.
Coding change: c.7879G>A on transcript NM_000138.5 (MANE Select); coding-DNA position 7879, G replaced by A.
Protein change: p.Gly2627Arg; replaces glycine 2627 with arginine.
Molecular consequence: missense variant.
Genome position (GRCh38, 1-based): chr15:48,415,708, C>T on the plus strand (G>A on the coding strand, the complement: FBN1 is on the minus strand). VCF-style: chr15-48415708-C-T. GRCh37 (hg19) VCF-style: chr15-48707905-C-T.
Other names: short protein forms G2627R.
Identifiers: ClinVar variation 36122 (VCV000036122.11), dbSNP rs193922239, ClinGen allele CA017435.

ClinVar aggregate classification (germline): Pathogenic/Likely pathogenic. Review status: criteria provided, multiple submitters, no conflicts (2 of 4 stars). 4 submissions from 4 submitters: Pathogenic (2); Likely pathogenic (2). Last evaluated 2023-01-27.

Conditions:
Marfan Syndrome/Loeys-Dietz Syndrome/Familial Thoracic Aortic Aneurysms and Dissections. Identifiers: MedGen CN229799.
Familial thoracic aortic aneurysm and aortic dissection (TAAD). Also called: Thoracic aortic aneurysms and dissections. Identifiers: Orphanet 91387, MedGen C4707243, MONDO:0019625.
Marfan syndrome (MFS). Also called: FBN1-Related Marfan Syndrome; Marfan syndrome type 1; Marfan's syndrome; Marfan syndrome, classic; MARFAN SYNDROME, TYPE I. Identifiers: Orphanet 284963, Orphanet 558, MedGen C0024796, MONDO:0007947, OMIM 154700.
FBN1-related disorder. Also called: FBN1-related disorders.

Submissions (4):

Petrovsky National Research Centre of Surgery, The Federal Agency for Scientific Organizations
Classification: Pathogenic for Marfan syndrome. Last evaluated: 2023-01-27. Review status: criteria provided, single submitter. Criteria: Muiño-Mosquera et al. (Circ Genom Precis Med. 2018). Collection method: clinical testing. Allele origin: germline. Affected: yes.
Comment: This variant has been reported in 1 article in an infant patient in a compound-heterozygous state with other missense variant, and it was shown that both substitutions cause disruption of microfibril formation (PMID: 7977366). Alternative substitution c.7879G>C (p.Gly2627Arg) has been reported in 1 article in individual(s) with Marfan Syndrome (PMID: 19839986). Clinvar contains an entry for c.7879G>A variant (Variation ID: 36122). This variant is absent in The Genome Aggregation Database (gnomAD) v2.1.1 and v.3.1.2 (Date of access with 27-01-2023). In silico predictors show pathogenic result of the protein change. In accordance with ACMG(2015) criteria and Proposal for a Disease- and Gene-Specific Guideline for the Interpretation of Sequenced Variants in the FBN1 Gene for Marfan Syndrome (PMID: 29875124), this variant is classified as Pathogenic with following criteria selected: PS3, PS1_Moderate, PM1, PM2, PP2, PP3, PP5

Blueprint Genetics
Classification: Pathogenic for FBN1-related disorders. Last evaluated: 2021-05-26. Review status: criteria provided, single submitter. Criteria: ACMG Guidelines, 2015. Collection method: clinical testing. Allele origin: germline. Affected: yes. Observed: 1 variant allele.

Labcorp Genetics (formerly Invitae), Labcorp
Classification: Likely pathogenic for Marfan syndrome; Familial thoracic aortic aneurysm and aortic dissection. Last evaluated: 2021-05-18. Review status: criteria provided, single submitter. Criteria: Invitae Variant Classification Sherloc (09022015). Collection method: clinical testing. Allele origin: germline.
Comment: This missense change has been observed in individual(s) with Marfan syndrome (PMID: 7977366, 19839986, Invitae). ClinVar contains an entry for this variant (Variation ID: 36122). This sequence change replaces glycine with arginine at codon 2627 of the FBN1 protein (p.Gly2627Arg). The glycine residue is highly conserved and there is a moderate physicochemical difference between glycine and arginine. This variant is not present in population databases (ExAC no frequency). Algorithms developed to predict the effect of missense changes on protein structure and function are either unavailable or do not agree on the potential impact of this missense change (SIFT: "Deleterious"; PolyPhen-2: "Probably Damaging"; Align-GVGD: "Class C0"). In summary, the currently available evidence indicates that the variant is pathogenic, but additional data are needed to prove that conclusively. Therefore, this variant has been classified as Likely Pathogenic.

Women's Health and Genetics/Laboratory Corporation of America, LabCorp
Classification: Likely pathogenic for Marfan Syndrome/Loeys-Dietz Syndrome/Familial Thoracic Aortic Aneurysms and Dissections. Last evaluated: 2018-09-11. Review status: criteria provided, single submitter. Criteria: LabCorp Variant Classification Summary - May 2015. Collection method: clinical testing. Allele origin: germline.
Comment: Variant summary: FBN1 c.7879G>A (p.Gly2627Arg) results in a non-conservative amino acid change located in the EGF-like domain of the encoded protein sequence. Five of five in-silico tools predict a damaging effect of the variant on protein function. The variant was absent in 246502 control chromosomes (gnomAD and publication). The variant, c.7879G>A, has been reported in the literature in individuals affected with Marfan Syndrome (Karttunen_1994, Hung_2009). These data indicate that the variant may be associated with disease. No clinical diagnostic laboratories have submitted clinical-significance assessments for this variant to ClinVar after 2014. Based on the evidence outlined above, the variant was classified as likely pathogenic.

Literature cited by the submitters: PubMed 7977366 (cited by 3 submitters); PubMed 19839986 (cited by 3 submitters).